The following is an entry in ClinVar:

ClinVar aggregate classification (germline): Uncertain significance (1 of 4 stars; one submission).

Conditions:
Hereditary cancer-predisposing syndrome. Also called: Hereditary neoplastic syndrome; Neoplastic Syndromes, Hereditary; Tumor predisposition; Hereditary Cancer Syndrome. Identifiers: Orphanet 140162, MedGen C0027672, MeSH D009386, MONDO:0015356.

Submission:

Ambry Genetics
Classification: Uncertain significance for Hereditary cancer-predisposing syndrome. Last evaluated: 2025-08-27. Review status: criteria provided, single submitter. Criteria: Ambry Variant Classification Scheme 2023. Collection method: clinical testing. Allele origin: germline.
Comment: The p.S102R variant (also known as c.304A>C), located in coding exon 3 of the MUTYH gene, results from an A to C substitution at nucleotide position 304. The serine at codon 102 is replaced by arginine, an amino acid with dissimilar properties. This amino acid position is conserved. In addition, this alteration is predicted to be tolerated by in silico analysis. Based on the available evidence, the clinical significance of this variant remains unclear.

NM_001048174.2(MUTYH):c.220A>C (p.Ser74Arg)

Gene: MUTYH (mutY DNA glycosylase; minus strand). Cytogenetic location: 1p34.1.
Variant type: single nucleotide variant.
Coding change: c.220A>C on transcript NM_001048174.2 (MANE Select); coding-DNA position 220, A replaced by C.
Protein change: p.Ser74Arg; replaces serine 74 with arginine.
Molecular consequence: missense variant. On other transcripts: 5 prime UTR variant (6), non-coding transcript variant (7).
Genome position (GRCh38, 1-based): chr1:45,333,457, T>G on the plus strand (A>C on the coding strand, the complement: MUTYH is on the minus strand). VCF-style: chr1-45333457-T-G. GRCh37 (hg19) VCF-style: chr1-45799129-T-G.
Other names: c.220A>C, p.Ser74Arg (NM_001048171.2, NM_001048173.2, NM_001293195.2 and 6 more transcripts); c.223A>C, p.Ser75Arg (NM_001048172.2, NM_001407071.1, NM_001407078.1 and 2 more transcripts); c.304A>C, p.Ser102Arg (NM_001128425.2); c.265A>C, p.Ser89Arg (NM_001293190.2); c.253A>C, p.Ser85Arg (NM_001293191.2, NM_001407077.1); c.-57A>C (NM_001293192.2, NM_001293196.2, NM_001407091.1); c.-52A>C (NM_001350650.2, NM_001350651.2, NM_001407082.1); c.295A>C, p.Ser99Arg (NM_001407069.1, NM_012222.3); and 3 more; short protein forms S46R, S75R, S89R, S102R, S81R, S99R, S74R, S85R.
Identifiers: ClinVar variation 4113589 (VCV004113589.1).